The following is an entry in ClinVar:

ClinVar aggregate classification (germline): Conflicting classifications of pathogenicity. Review status: criteria provided, conflicting classifications (1 of 4 stars). 7 submissions from 7 submitters: Uncertain significance (4); Likely benign (3). Last evaluated 2026-04-03.

Conditions:
Cardiovascular phenotype. Identifiers: MedGen CN230736.
RASopathy. Also called: rasopathies; Noonan spectrum disorder. Identifiers: Orphanet 536391, MedGen C5555857, MONDO:0021060.

Submissions (7):

Women's Health and Genetics/Laboratory Corporation of America, LabCorp
Classification: Likely benign. Last evaluated: 2026-04-03. Review status: criteria provided, single submitter. Criteria: LabCorp Variant Classification Summary - May 2015. Collection method: clinical testing. Allele origin: germline.
Comment: Variant summary: MAP2K2 c.863_865delAAG (p.Glu288del) results in an in-frame deletion that is predicted to remove 1 amino acid from the encoded protein. The variant allele was found at a frequency of 4.8e-05 in 231466 control chromosomes. The observed variant frequency exceeds the estimated maximal expected allele frequency for disease-causing variants in MAP2K2. c.863_865delAAG has been observed in the presumed heterozygous state in at least 1 individual(s) affected with dilated cardiomyopathy, without strong evidence for causality (example, Ceyhan-Birsoy_2018). These report(s) do not provide unequivocal conclusions about association of the variant with Noonan Syndrome And Related Conditions. To our knowledge, no experimental evidence demonstrating an impact on protein function has been reported. The following publication has been ascertained in the context of this evaluation (PMID: 29696744). ClinVar contains an entry for this variant (Variation ID: 503543). Based on the evidence outlined above, the variant was classified as likely benign.

Labcorp Genetics (formerly Invitae), Labcorp
Classification: Uncertain significance for RASopathy. Last evaluated: 2025-12-16. Review status: criteria provided, single submitter. Criteria: Invitae Variant Classification Sherloc (09022015). Collection method: clinical testing. Allele origin: germline.
Comment: This variant, c.863_865del, results in the deletion of 1 amino acid(s) of the MAP2K2 protein (p.Glu288del), but otherwise preserves the integrity of the reading frame. This variant is present in population databases (rs763469132, gnomAD 0.02%). This variant has not been reported in the literature in individuals affected with MAP2K2-related conditions. ClinVar contains an entry for this variant (Variation ID: 503543). Experimental studies and prediction algorithms are not available or were not evaluated, and the functional significance of this variant is currently unknown. In summary, the available evidence is currently insufficient to determine the role of this variant in disease. Therefore, it has been classified as a Variant of Uncertain Significance.

Blueprint Genetics
Classification: Uncertain significance. Last evaluated: 2024-08-19. Review status: criteria provided, single submitter. Criteria: ACMG Guidelines, 2015. Collection method: clinical testing. Allele origin: germline.

Mayo Clinic Laboratories, Mayo Clinic
Classification: Uncertain significance. Last evaluated: 2022-08-10. Review status: criteria provided, single submitter. Criteria: ACMG Guidelines, 2015. Collection method: clinical testing. Allele origin: germline. Observed: 1 variant allele.
Comment: BP3

Ambry Genetics
Classification: Likely benign for Cardiovascular phenotype. Last evaluated: 2021-06-17. Review status: criteria provided, single submitter. Criteria: Ambry Variant Classification Scheme 2023. Collection method: clinical testing. Allele origin: germline.

GeneDx
Classification: Likely benign. Last evaluated: 2021-04-22. Review status: criteria provided, single submitter. Criteria: GeneDx Variant Classification Process June 2021. Collection method: clinical testing. Allele origin: germline. Affected: yes.
Comment: In-frame deletion of 1 amino acids in a non-repeat region; This variant is associated with the following publications: (PMID: 27060149)

Laboratory for Molecular Medicine, Mass General Brigham Personalized Medicine
Classification: Uncertain significance. Last evaluated: 2018-03-06. Review status: criteria provided, single submitter. Criteria: LMM Criteria. Collection method: clinical testing. Allele origin: germline.
Comment: Disclaimer: This variant has not undergone full assessment. The following are preliminary notes: GnomAd 19:4099252 CCTT / C: Latino 6/32102; well conserved; Not in ClinVar, Pubmed, Google search or HGMD

Literature cited by the submitters: PubMed 29696744 (cited by Women's Health and Genetics/Laboratory Corporation of America, LabCorp).

NM_030662.4(MAP2K2):c.860AAG[1] (p.Glu288del)

Gene: MAP2K2 (mitogen-activated protein kinase kinase 2; minus strand). Cytogenetic location: 19p13.3.
Variant type: Microsatellite.
Coding change: c.860AAG[1] on transcript NM_030662.4 (MANE Select); one copy of the 3-base unit AAG starting at c.860; the reference has two copies in a row; one copy, 3 bases deleted.
Protein change: p.Glu288del; deletes glutamic acid 288.
Molecular consequence: inframe deletion.
Genome position (GRCh38, 1-based): chr19:4,099,255-4,099,257, CTT deleted on the plus strand (AAG on the coding strand, the reverse complement: MAP2K2 is on the minus strand); deleting any 3 consecutive bases within chr19:4,099,255-4,099,261 gives the same sequence; the position shown is the placement nearest the transcript's 3' end. VCF-style (leftmost placement, unchanged base first): chr19-4099254-CCTT-C. GRCh37 (hg19) VCF-style: chr19-4099252-CCTT-C.
Other names: c.863_865delAAG (NM_030662.3, NM_030662.4); short protein forms E288del.
Identifiers: ClinVar variation 503543 (VCV000503543.19), dbSNP rs763469132, ClinGen allele CA9090810.